The following is an entry in ClinVar:

ClinVar aggregate classification (germline): Uncertain significance. Review status: criteria provided, multiple submitters, no conflicts (2 of 4 stars). 2 submissions from 2 submitters: Uncertain significance (2). Last evaluated 2025-10-29.

Conditions:
Cognitive impairment with or without cerebellar ataxia (CIAT). Identifiers: MedGen C3280415, MONDO:0013680, OMIM 614306.
Early-infantile DEE. Also called: Early infantile epileptic encephalopathy; Early infantile epileptic encephalopathy with suppression bursts; Ohtahara syndrome. Identifiers: Orphanet 1934, MedGen C0393706, MONDO:0800491.

Allele frequency attached by ClinVar (database versions not stated): gnomAD exomes below 0.00001; gnomAD 0.00001; TOPMed 0.00001; ESP Exome Variant Server 0.00008.
gnomAD v4.1: 3 of 1,613,304 alleles (0.00019%); highest among the groups gnomAD compares: Admixed American, 0.0033%; no homozygotes.

Submissions (2):

Labcorp Genetics (formerly Invitae), Labcorp
Classification: Uncertain significance for Early-infantile DEE. Last evaluated: 2025-10-29. Review status: criteria provided, single submitter. Criteria: Invitae Variant Classification Sherloc (09022015). Collection method: clinical testing. Allele origin: germline.
Comment: This sequence change replaces alanine, which is neutral and non-polar, with valine, which is neutral and non-polar, at codon 1051 of the SCN8A protein (p.Ala1051Val). The frequency data for this variant in the population databases is considered unreliable, as metrics indicate poor data quality at this position in the gnomAD database. This variant has not been reported in the literature in individuals affected with SCN8A-related conditions. ClinVar contains an entry for this variant (Variation ID: 640899). Invitae Evidence Modeling of protein sequence and biophysical properties (such as structural, functional, and spatial information, amino acid conservation, physicochemical variation, residue mobility, and thermodynamic stability) indicates that this missense variant is not expected to disrupt SCN8A protein function with a negative predictive value of 95%. In summary, the available evidence is currently insufficient to determine the role of this variant in disease. Therefore, it has been classified as a Variant of Uncertain Significance.

Laboratorio de Genetica e Diagnostico Molecular, Hospital Israelita Albert Einstein
Classification: Uncertain significance for Cognitive impairment with or without cerebellar ataxia. Last evaluated: 2021-11-16. Review status: criteria provided, single submitter. Criteria: ACMG Guidelines, 2015. Collection method: clinical testing. Allele origin: germline. Affected: yes.
Comment: ACMG classification criteria: PM2 moderate, PP2 supporting, BP4 supporting

NM_001330260.2(SCN8A):c.3152C>T (p.Ala1051Val)

Gene: SCN8A (sodium voltage-gated channel alpha subunit 8; plus strand). Cytogenetic location: 12q13.13.
Variant type: single nucleotide variant.
Coding change: c.3152C>T on transcript NM_001330260.2 (MANE Select); coding-DNA position 3152, C replaced by T.
Protein change: p.Ala1051Val; replaces alanine 1051 with valine.
Molecular consequence: missense variant.
Genome position (GRCh38, 1-based): chr12:51,769,115, C>T. VCF-style: chr12-51769115-C-T. GRCh37 (hg19) VCF-style: chr12-52162899-C-T.
Other names: c.3152C>T, p.Ala1051Val (NM_001177984.3, NM_001369788.1, NM_014191.4); short protein forms A1051V.
Identifiers: ClinVar variation 640899 (VCV000640899.10), dbSNP rs376547086, ClinGen allele CA236318583.